The following is an entry in ClinVar:

NM_000098.3(CPT2):c.1825G>A (p.Gly609Ser)

Gene: CPT2 (carnitine palmitoyltransferase 2; plus strand). Cytogenetic location: 1p32.3.
Variant type: single nucleotide variant.
Coding change: c.1825G>A on transcript NM_000098.3 (MANE Select); coding-DNA position 1825, G replaced by A.
Protein change: p.Gly609Ser; replaces glycine 609 with serine.
Molecular consequence: missense variant.
Genome position (GRCh38, 1-based): chr1:53,213,443, G>A. VCF-style: chr1-53213443-G-A. GRCh37 (hg19) VCF-style: chr1-53679115-G-A.
Other names: c.1756G>A, p.Gly586Ser (NM_001330589.2); short protein forms G609S, G586S.
Identifiers: ClinVar variation 460428 (VCV000460428.8), dbSNP rs1553169998, ClinGen allele CA340397727.

ClinVar aggregate classification (germline): Uncertain significance (1 of 4 stars; one submission).

Conditions:
Carnitine palmitoyltransferase II deficiency. Also called: Carnitine Palmitoyltransferase 2 Deficiency. Identifiers: Orphanet 157, MedGen C0342790, MONDO:0015515.

Allele frequency attached by ClinVar (database versions not stated): gnomAD exomes 0.00001.
gnomAD v4.1: 11 of 1,614,250 alleles (0.00068%); highest among the groups gnomAD compares: Non-Finnish European, 0.00093%; no homozygotes.

Submission:

Labcorp Genetics (formerly Invitae), Labcorp
Classification: Uncertain significance for Carnitine palmitoyltransferase II deficiency. Last evaluated: 2023-04-17. Review status: criteria provided, single submitter. Criteria: Invitae Variant Classification Sherloc (09022015). Collection method: clinical testing. Allele origin: germline.
Comment: In summary, the available evidence is currently insufficient to determine the role of this variant in disease. Therefore, it has been classified as a Variant of Uncertain Significance. Advanced modeling of protein sequence and biophysical properties (such as structural, functional, and spatial information, amino acid conservation, physicochemical variation, residue mobility, and thermodynamic stability) performed at Invitae indicates that this missense variant is expected to disrupt CPT2 protein function. ClinVar contains an entry for this variant (Variation ID: 460428). This variant has not been reported in the literature in individuals affected with CPT2-related conditions. This variant is not present in population databases (gnomAD no frequency). This sequence change replaces glycine, which is neutral and non-polar, with serine, which is neutral and polar, at codon 609 of the CPT2 protein (p.Gly609Ser).